The following is an entry in ClinVar:

NM_000256.3(MYBPC3):c.405A>G (p.Lys135=)

Gene: MYBPC3 (myosin binding protein C3; minus strand). Cytogenetic location: 11p11.2.
Variant type: single nucleotide variant.
Coding change: c.405A>G on transcript NM_000256.3 (MANE Select); coding-DNA position 405, A replaced by G.
Protein change: p.Lys135=; no amino-acid change (lysine 135 retained).
Molecular consequence: synonymous variant.
Genome position (GRCh38, 1-based): chr11:47,350,503, T>C on the plus strand (A>G on the coding strand, the complement: MYBPC3 is on the minus strand). VCF-style: chr11-47350503-T-C. GRCh37 (hg19) VCF-style: chr11-47372054-T-C.
Identifiers: ClinVar variation 177780 (VCV000177780.14), dbSNP rs727504318, ClinGen allele CA015028.

ClinVar aggregate classification (germline): Uncertain significance. Review status: reviewed by expert panel (3 of 4 stars). 5 submissions from 5 submitters: Uncertain significance (1). 4 of the submissions do not count toward it. Last evaluated 2025-11-14.

Conditions:
Cardiovascular phenotype. Identifiers: MedGen CN230736.
Cardiomyopathy (CMYO). Also called: Cardiomyopathies. Identifiers: Orphanet 167848, MedGen C0878544, MONDO:0004994, HP:0001638. Inheritance: Various modes of inheritance.
Hypertrophic cardiomyopathy. Also called: HYPERTROPHIC MYOCARDIOPATHY. Identifiers: Orphanet 217569, MedGen C0007194, MeSH D002312, MONDO:0005045, HP:0001639.

Allele frequency attached by ClinVar (database versions not stated): TOPMed below 0.00001; gnomAD exomes 0.00002 and 0.00003; ExAC 0.00008.
gnomAD v4.1: 25 of 1,556,770 alleles (0.0016%); highest among the groups gnomAD compares: Non-Finnish European, 0.0022%; no homozygotes.

Submissions (5):

ClinGen Cardiomyopathy Variant Curation Expert Panel
Classification: Uncertain significance for Hypertrophic cardiomyopathy. Last evaluated: 2025-11-14. Review status: reviewed by expert panel. Criteria: ClinGen CMP ACMG Specifications MYBPC3 V1.0.0. Collection method: curation. Allele origin: germline. Inheritance: Autosomal dominant inheritance.
Comment: NM_000256.3(MYBPC3):c.405A>G (p.Lys135=). This variant has not been reported in the literature in individuals with cardiomyopathy but has been reported by other clinical laboratories in ClinVar (Variation ID 177780). This variant has also been identified in 5 out of 71230 (0.002750% GroupMax FAF 95% CI) of European chromosomes in gnomAD (v.2.1; PM2 does not apply; BS1 does not apply). Currently, there is no evidence that this variant is enriched in HCM cases compared to controls (PS4 does not apply). This silent variant occurs in the last three bases of exon 3, which is part of the 5’ splice region. Computational tools do not predict a splicing impact, though this information is not predictive enough to rule out pathogenicity (Splice AI: Donor Loss score 0.27, BP7). Functional studies using a minigene assay did not find that this variant significantly altered splicing compared to reference sequence (Ito 2017 PMID: 28679633), however, this data is currently insufficient to establish functional impact and apply BS4. In summary, due to insufficient evidence, this variant is classified as uncertain significance for hypertrophic cardiomyopathy in an autosomal dominant manner based on BP7.

Labcorp Genetics (formerly Invitae), Labcorp
Classification: Uncertain significance for Hypertrophic cardiomyopathy. Last evaluated: 2025-11-12. Review status: criteria provided, single submitter. Criteria: Invitae Variant Classification Sherloc (09022015). Collection method: clinical testing. Allele origin: germline. Not counted in ClinVar's aggregate classification.
Comment: This sequence change affects codon 135 of the MYBPC3 mRNA. It is a 'silent' change, meaning that it does not change the encoded amino acid sequence of the MYBPC3 protein. It affects a nucleotide within the consensus splice site. This variant is present in population databases (rs727504318, gnomAD 0.007%). This variant has been observed in individual(s) with clinical features of MYBPC3-related conditions (PMID: 28679633). ClinVar contains an entry for this variant (Variation ID: 177780). Algorithms developed to predict the effect of sequence changes on RNA splicing suggest that this variant may disrupt the consensus splice site. In summary, the available evidence is currently insufficient to determine the role of this variant in disease. Therefore, it has been classified as a Variant of Uncertain Significance.

Ambry Genetics
Classification: Uncertain significance for Cardiovascular phenotype. Last evaluated: 2025-02-14. Review status: criteria provided, single submitter. Criteria: Ambry Variant Classification Scheme 2023. Collection method: clinical testing. Allele origin: germline. Not counted in ClinVar's aggregate classification.
Comment: The c.405A>G variant (also known as p.K135K), located in coding exon 3 of the MYBPC3 gene, results from an A to G substitution at nucleotide position 405. This nucleotide substitution does not change the lysine at codon 135. This variant was reported in individual(s) with features consistent with hypertrophic cardiomyopathy (HCM) (Helms AS et al. Circ Genom Precis Med, 2020 Oct;13:396-405; Westphal DS et al. J Cardiovasc Dev Dis, 2022 Jan;9:[ePub ahead of print]). This nucleotide position is highly conserved in available vertebrate species. In silico splice site analysis predicts that this alteration may weaken the native splice donor site. Based on the available evidence, the clinical significance of this variant remains unclear.

Color Diagnostics, LLC DBA Color Health
Classification: Likely benign for Cardiomyopathy. Last evaluated: 2018-10-25. Review status: criteria provided, single submitter. Criteria: ACMG Guidelines, 2015. Collection method: clinical testing. Allele origin: germline. Not counted in ClinVar's aggregate classification.

Laboratory for Molecular Medicine, Mass General Brigham Personalized Medicine
Classification: Uncertain significance. Last evaluated: 2012-04-19. Review status: criteria provided, single submitter. Criteria: LMM Criteria. Collection method: clinical testing. Allele origin: germline. Observed: 2 variant alleles. Not counted in ClinVar's aggregate classification.
Comment: Variant classified as Uncertain Significance - Favor Benign. This variant is located in the last t hree bases of the exon, which is part of the 5? splice region. Computational too ls do not predict a strong effect on splicing; however, this information is not predictive enough to rule out pathogenicity. In summary, this variant is less li kely pathogenic but additional information is needed to fully assess its clinica l significance.

Literature cited by the submitters: PubMed 28679633 (cited by Labcorp Genetics (formerly Invitae), Labcorp); PubMed 32841044 (cited by Ambry Genetics); PubMed 35200695 (cited by Ambry Genetics).